The following is an entry in ClinVar:

ClinVar aggregate classification (germline): Uncertain significance (1 of 4 stars; one submission).

Conditions:
Cardiovascular phenotype. Identifiers: MedGen CN230736.

Submission:

Ambry Genetics
Classification: Uncertain significance for Cardiovascular phenotype. Last evaluated: 2022-03-06. Review status: criteria provided, single submitter. Criteria: Ambry Variant Classification Scheme 2023. Collection method: clinical testing. Allele origin: germline.
Comment: The p.E233D variant (also known as c.699G>C), located in coding exon 7 of the ANKRD1 gene, results from a G to C substitution at nucleotide position 699. The glutamic acid at codon 233 is replaced by aspartic acid, an amino acid with highly similar properties. This amino acid position is conserved. In addition, this alteration is predicted to be tolerated by in silico analysis. Since supporting evidence is limited at this time, the clinical significance of this alteration remains unclear.

NM_014391.3(ANKRD1):c.699G>C (p.Glu233Asp)

Gene: ANKRD1 (ankyrin repeat domain 1; minus strand). Cytogenetic location: 10q23.31.
Variant type: single nucleotide variant.
Coding change: c.699G>C on transcript NM_014391.3 (MANE Select); coding-DNA position 699, G replaced by C.
Protein change: p.Glu233Asp; replaces glutamic acid 233 with aspartic acid.
Molecular consequence: missense variant.
Genome position (GRCh38, 1-based): chr10:90,915,833, C>G on the plus strand (G>C on the coding strand, the complement: ANKRD1 is on the minus strand). VCF-style: chr10-90915833-C-G. GRCh37 (hg19) VCF-style: chr10-92675590-C-G.
Other names: short protein forms E233D.
Identifiers: ClinVar variation 1756530 (VCV001756530.2), dbSNP rs2120265357, ClinGen allele CA377550311.